The following is an entry in ClinVar:

NM_001142800.2(EYS):c.9119G>A (p.Cys3040Tyr)

Genes: EYS (EGF-like photoreceptor maintenance factor; minus strand), PHF3 (PHD finger protein 3; plus strand). Cytogenetic location: 6q12.
Variant type: single nucleotide variant.
Coding change: c.9119G>A on transcript NM_001142800.2 (MANE Select); coding-DNA position 9119, G replaced by A.
Protein change: p.Cys3040Tyr; replaces cysteine 3040 with tyrosine.
Molecular consequence: missense variant. On other transcripts: 3 prime UTR variant (5).
Genome position (GRCh38, 1-based): chr6:63,720,912, C>T on the plus strand (G>A on the coding strand, the complement: EYS is on the minus strand). VCF-style: chr6-63720912-C-T. GRCh37 (hg19) VCF-style: chr6-64430808-C-T.
Other names: c.*7204C>T (NM_001290259.2, NM_001370348.2, NM_001370349.2 and 2 more transcripts); c.9182G>A, p.Cys3061Tyr (NM_001292009.2); short protein forms C3040Y, C3061Y.
Identifiers: ClinVar variation 1354500 (VCV001354500.6), dbSNP rs908612569, ClinGen allele CA140236796.

ClinVar aggregate classification (germline): Uncertain significance (1 of 4 stars; one submission).

gnomAD v4.1: 1 of 1,551,060 alleles (0.000064%); highest among the groups gnomAD compares: African/African-American, 0.0014%; no homozygotes.

Submission:

Labcorp Genetics (formerly Invitae), Labcorp
Classification: Uncertain significance. Last evaluated: 2024-11-11. Review status: criteria provided, single submitter. Criteria: Invitae Variant Classification Sherloc (09022015). Collection method: clinical testing. Allele origin: germline.
Comment: This sequence change replaces cysteine, which is neutral and slightly polar, with tyrosine, which is neutral and polar, at codon 3040 of the EYS protein (p.Cys3040Tyr). This variant is not present in population databases (gnomAD no frequency). This variant has not been reported in the literature in individuals affected with EYS-related conditions. ClinVar contains an entry for this variant (Variation ID: 1354500). Invitae Evidence Modeling of protein sequence and biophysical properties (such as structural, functional, and spatial information, amino acid conservation, physicochemical variation, residue mobility, and thermodynamic stability) indicates that this missense variant is expected to disrupt EYS protein function with a positive predictive value of 80%. In summary, the available evidence is currently insufficient to determine the role of this variant in disease. Therefore, it has been classified as a Variant of Uncertain Significance.